The following is an entry in ClinVar:

ClinVar aggregate classification (germline): Uncertain significance (1 of 4 stars; one submission).

Submission:

Labcorp Genetics (formerly Invitae), Labcorp
Classification: Uncertain significance. Last evaluated: 2025-12-17. Review status: criteria provided, single submitter. Criteria: Invitae Variant Classification Sherloc (09022015). Collection method: clinical testing. Allele origin: germline.
Comment: This sequence change replaces methionine, which is neutral and non-polar, with threonine, which is neutral and polar, at codon 1919 of the SPTB protein (p.Met1919Thr). This variant is not present in population databases (gnomAD no frequency). This variant has not been reported in the literature in individuals affected with SPTB-related conditions. ClinVar contains an entry for this variant (Variation ID: 3662700). An algorithm developed to predict the effect of missense changes on protein structure and function (PolyPhen-2) suggests that this variant is likely to be disruptive. In summary, the available evidence is currently insufficient to determine the role of this variant in disease. Therefore, it has been classified as a Variant of Uncertain Significance.

NM_001355436.2(SPTB):c.5756T>C (p.Met1919Thr)

Gene: SPTB (spectrin beta, erythrocytic; minus strand). Cytogenetic location: 14q23.3.
Variant type: single nucleotide variant.
Coding change: c.5756T>C on transcript NM_001355436.2 (MANE Select); coding-DNA position 5756, T replaced by C.
Protein change: p.Met1919Thr; replaces methionine 1919 with threonine.
Molecular consequence: missense variant.
Genome position (GRCh38, 1-based): chr14:64,770,927, A>G on the plus strand (T>C on the coding strand, the complement: SPTB is on the minus strand). VCF-style: chr14-64770927-A-G. GRCh37 (hg19) VCF-style: chr14-65237645-A-G.
Other names: c.5756T>C, p.Met1919Thr (NM_001024858.4, NM_001355437.2); short protein forms M1919T.
Identifiers: ClinVar variation 3662700 (VCV003662700.2).
Genomic context (GRCh38, chr14:64,770,927, plus strand): 5'-CAAGGACACTCCCCTCACCTGGGCCTCTCCTGGGTCTCGATCTGCCGGATGATGCTCTCC[A>G]TCCAGGAGAGGAGGTCACGGGCCATGCTGAAGAAGCGGAATTTATCCGCCGTGTCCACTA-3'
Protein context (NP_001342365.1, residues 1909-1929): FSMARDLLSW[Met1919Thr]ESIIRQIETQ